The following is an entry in ClinVar:

ClinVar aggregate classification (germline): Uncertain significance (1 of 4 stars; one submission).

Conditions:
Autosomal dominant limb-girdle muscular dystrophy type 1F (LGMDD2). Also called: Limb-girdle muscular dystrophy, type 1F; MUSCULAR DYSTROPHY, LIMB-GIRDLE, AUTOSOMAL DOMINANT 2. Identifiers: Orphanet 55595, MedGen C1842062, MONDO:0012034, OMIM 608423.

Submission:

Labcorp Genetics (formerly Invitae), Labcorp
Classification: Uncertain significance for Autosomal dominant limb-girdle muscular dystrophy type 1F. Last evaluated: 2025-09-21. Review status: criteria provided, single submitter. Criteria: Invitae Variant Classification Sherloc (09022015). Collection method: clinical testing. Allele origin: germline.
Comment: This sequence change replaces threonine, which is neutral and polar, with serine, which is neutral and polar, at codon 475 of the TNPO3 protein (p.Thr475Ser). This variant is not present in population databases (gnomAD no frequency). This variant has not been reported in the literature in individuals affected with TNPO3-related conditions. Invitae Evidence Modeling of protein sequence and biophysical properties (such as structural, functional, and spatial information, amino acid conservation, physicochemical variation, residue mobility, and thermodynamic stability) indicates that this missense variant is not expected to disrupt TNPO3 protein function with a negative predictive value of 80%. This variant disrupts the p.Thr475 amino acid residue in TNPO3. Other variant(s) that disrupt this residue have been determined to be pathogenic (internal data). This suggests that this residue is clinically significant, and that variants that disrupt this residue are likely to be disease-causing. In summary, the available evidence is currently insufficient to determine the role of this variant in disease. Therefore, it has been classified as a Variant of Uncertain Significance.

NM_012470.4(TNPO3):c.1423A>T (p.Thr475Ser)

Gene: TNPO3 (transportin 3; minus strand). Cytogenetic location: 7q32.1.
Variant type: single nucleotide variant.
Coding change: c.1423A>T on transcript NM_012470.4 (MANE Select); coding-DNA position 1423, A replaced by T.
Protein change: p.Thr475Ser; replaces threonine 475 with serine.
Molecular consequence: missense variant. On other transcripts: non-coding transcript variant (18).
Genome position (GRCh38, 1-based): chr7:128,990,036, T>A on the plus strand (A>T on the coding strand, the complement: TNPO3 is on the minus strand). VCF-style: chr7-128990036-T-A. GRCh37 (hg19) VCF-style: chr7-128630090-T-A.
Other names: c.1423A>T, p.Thr475Ser (NM_001191028.3, NM_001382218.1, NM_001382220.1 and 1 more transcripts); c.1525A>T, p.Thr509Ser (NM_001382216.1); c.1504A>T, p.Thr502Ser (NM_001382217.1); c.1315A>T, p.Thr439Ser (NM_001382219.1); c.1279A>T, p.Thr427Ser (NM_001382221.1); c.1276A>T, p.Thr426Ser (NM_001382222.1); short protein forms T426S, T439S, T427S, T475S, T502S, T509S.
Identifiers: ClinVar variation 4746061 (VCV004746061.1).